The following is an entry in ClinVar:

ClinVar aggregate classification (germline): Uncertain significance. Review status: criteria provided, multiple submitters, no conflicts (2 of 4 stars). 2 submissions from 2 submitters: Uncertain significance (2). Last evaluated 2026-01-16.

Conditions:
Hereditary cancer-predisposing syndrome. Also called: Neoplastic Syndromes, Hereditary; Tumor predisposition; Hereditary Cancer Syndrome; Hereditary neoplastic syndrome. Identifiers: Orphanet 140162, MedGen C0027672, MeSH D009386, MONDO:0015356.
Tumor predisposition syndrome 3 (TPDS3). Also called: Melanoma, cutaneous malignant, susceptibility to, 10; Glioma susceptibility 9; LONG TELOMERE SYNDROME, POT1-RELATED; POT1 Tumor Predisposition. Identifiers: Orphanet 618, MedGen C4014476, MONDO:0014368, OMIM 615848.

Allele frequency attached by ClinVar (database versions not stated): TOPMed below 0.00001; gnomAD 0.00001.
gnomAD v4.1: 2 of 1,613,278 alleles (0.00012%); highest among the groups gnomAD compares: African/African-American, 0.0013%; no homozygotes.

Submissions (2):

Ambry Genetics
Classification: Uncertain significance for Hereditary cancer-predisposing syndrome. Last evaluated: 2026-01-16. Review status: criteria provided, single submitter. Criteria: Ambry Variant Classification Scheme 2023. Collection method: clinical testing. Allele origin: germline.
Comment: The p.T269A variant (also known as c.805A>G), located in coding exon 6 of the POT1 gene, results from an A to G substitution at nucleotide position 805. The threonine at codon 269 is replaced by alanine, an amino acid with similar properties. This amino acid position is highly conserved in available vertebrate species. In addition, the in silico prediction for this alteration is inconclusive. Based on the available evidence, the clinical significance of this variant remains unclear.

Labcorp Genetics (formerly Invitae), Labcorp
Classification: Uncertain significance for Tumor predisposition syndrome 3. Last evaluated: 2024-05-02. Review status: criteria provided, single submitter. Criteria: Invitae Variant Classification Sherloc (09022015). Collection method: clinical testing. Allele origin: germline.
Comment: This sequence change replaces threonine, which is neutral and polar, with alanine, which is neutral and non-polar, at codon 269 of the POT1 protein (p.Thr269Ala). This variant is not present in population databases (gnomAD no frequency). This variant has not been reported in the literature in individuals affected with POT1-related conditions. ClinVar contains an entry for this variant (Variation ID: 2198749). Advanced modeling of protein sequence and biophysical properties (such as structural, functional, and spatial information, amino acid conservation, physicochemical variation, residue mobility, and thermodynamic stability) performed at Invitae indicates that this missense variant is not expected to disrupt POT1 protein function with a negative predictive value of 80%. In summary, the available evidence is currently insufficient to determine the role of this variant in disease. Therefore, it has been classified as a Variant of Uncertain Significance.

NM_015450.3(POT1):c.805A>G (p.Thr269Ala)

Gene: POT1 (protection of telomeres 1; minus strand). Cytogenetic location: 7q31.33.
Variant type: single nucleotide variant.
Coding change: c.805A>G on transcript NM_015450.3 (MANE Select); coding-DNA position 805, A replaced by G.
Protein change: p.Thr269Ala; replaces threonine 269 with alanine.
Molecular consequence: missense variant. On other transcripts: non-coding transcript variant (3).
Genome position (GRCh38, 1-based): chr7:124,853,036, T>C on the plus strand (A>G on the coding strand, the complement: POT1 is on the minus strand). VCF-style: chr7-124853036-T-C. GRCh37 (hg19) VCF-style: chr7-124493090-T-C.
Other names: c.412A>G, p.Thr138Ala (NM_001042594.2); c.805A>G (NM_015450.2); short protein forms T138A, T269A.
Identifiers: ClinVar variation 2198749 (VCV002198749.5), dbSNP rs1428019370, ClinGen allele CA369055381.